The following is an entry in ClinVar:

NM_152722.5(HEPACAM):c.616C>T (p.Arg206Cys)

Gene: HEPACAM (hepatic and glial cell adhesion molecule; minus strand). Cytogenetic location: 11q24.2.
Variant type: single nucleotide variant.
Coding change: c.616C>T on transcript NM_152722.5 (MANE Select); coding-DNA position 616, C replaced by T.
Protein change: p.Arg206Cys; replaces arginine 206 with cysteine.
Molecular consequence: missense variant.
Genome position (GRCh38, 1-based): chr11:124,923,822, G>A on the plus strand (C>T on the coding strand, the complement: HEPACAM is on the minus strand). VCF-style: chr11-124923822-G-A. GRCh37 (hg19) VCF-style: chr11-124793718-G-A.
Other names: short protein forms R206C.
Identifiers: ClinVar variation 1339869 (VCV001339869.12), dbSNP rs551755804, ClinGen allele CA6345705.

ClinVar aggregate classification (germline): Uncertain significance. Review status: criteria provided, multiple submitters, no conflicts (2 of 4 stars). 2 submissions from 2 submitters: Uncertain significance (2). Last evaluated 2025-04-08.

Conditions:
Inborn genetic diseases. Identifiers: MedGen C0950123, MeSH D030342.
Megalencephalic leukoencephalopathy with subcortical cysts 2B, remitting, with or without impaired intellectual development. Also called: Megalencephalic leukoencephalopathy with subcortical cysts 2B, remitting, with or without intellectual disability. Identifiers: Orphanet 2478, MedGen C3151356, MONDO:0013491, OMIM 613926.
Megalencephalic leukoencephalopathy with subcortical cysts 2A. Identifiers: Orphanet 2478, MedGen C3151355, MONDO:0013490, OMIM 613925.

Allele frequency attached by ClinVar (database versions not stated): 1000 Genomes Project 0.00020; gnomAD 0.00001 and 0.00002; gnomAD exomes 0.00002; TOPMed 0.00002; ExAC 0.00003; 1000 Genomes Project 30x 0.00016.
gnomAD v4.1: 35 of 1,614,196 alleles (0.0022%); highest among the groups gnomAD compares: Admixed American, 0.0033%; no homozygotes.

Submissions (2):

Ambry Genetics
Classification: Uncertain significance for Inborn genetic diseases. Last evaluated: 2025-04-08. Review status: criteria provided, single submitter. Criteria: Ambry Variant Classification Scheme 2023. Collection method: clinical testing. Allele origin: germline.

Labcorp Genetics (formerly Invitae), Labcorp
Classification: Uncertain significance. Last evaluated: 2024-11-29. Review status: criteria provided, single submitter. Criteria: Invitae Variant Classification Sherloc (09022015). Collection method: clinical testing. Allele origin: germline.
Comment: This sequence change replaces arginine, which is basic and polar, with cysteine, which is neutral and slightly polar, at codon 206 of the HEPACAM protein (p.Arg206Cys). This variant is present in population databases (rs551755804, gnomAD 0.01%). This variant has not been reported in the literature in individuals affected with HEPACAM-related conditions. ClinVar contains an entry for this variant (Variation ID: 1339869). Invitae Evidence Modeling of protein sequence and biophysical properties (such as structural, functional, and spatial information, amino acid conservation, physicochemical variation, residue mobility, and thermodynamic stability) has been performed for this missense variant. However, the output from this modeling did not meet the statistical confidence thresholds required to predict the impact of this variant on HEPACAM protein function. In summary, the available evidence is currently insufficient to determine the role of this variant in disease. Therefore, it has been classified as a Variant of Uncertain Significance.